The following is an entry in ClinVar:

ClinVar aggregate classification (germline): Uncertain significance (1 of 4 stars; one submission).

Conditions:
MAP1A-related disorder. Also called: MAP1A-related condition.

Allele frequency attached by ClinVar (database versions not stated): gnomAD exomes below 0.00001; TOPMed below 0.00001.
gnomAD v4.1: 1 of 1,613,920 alleles (0.000062%); highest among the groups gnomAD compares: Admixed American, 0.0017%; no homozygotes.

Submission:

PreventionGenetics, part of Exact Sciences
Classification: Uncertain significance for MAP1A-related condition. Last evaluated: 2023-08-10. Review status: criteria provided, single submitter. Criteria: ACMG Guidelines, 2015. Collection method: clinical testing. Allele origin: germline.
Comment: The MAP1A c.6902G>A variant is predicted to result in premature protein termination (p.Trp2301*). To our knowledge, this variant has not been reported in the literature or in a large population database, indicating this variant is rare. Loss-of-function has not been established as a disease mechanism for this gene, and therefore the clinical significance of this variant is currently uncertain due to the absence of conclusive functional and genetic evidence.

NM_002373.6(MAP1A):c.6902G>A (p.Trp2301Ter)

Gene: MAP1A (microtubule associated protein 1A; plus strand). Cytogenetic location: 15q15.3.
Variant type: single nucleotide variant.
Coding change: c.6902G>A on transcript NM_002373.6 (MANE Select); coding-DNA position 6902, G replaced by A.
Protein change: p.Trp2301Ter; replaces tryptophan 2301 with a stop codon.
Molecular consequence: nonsense.
Genome position (GRCh38, 1-based): chr15:43,528,375, G>A. VCF-style: chr15-43528375-G-A. GRCh37 (hg19) VCF-style: chr15-43820573-G-A.
Other names: c.7616G>A, p.Trp2539Ter (NM_001411089.1); short protein forms W2301*, W2539*.
Identifiers: ClinVar variation 2631795 (VCV002631795.1), dbSNP rs2079355516, ClinGen allele CA392176994.